The following is an entry in ClinVar:

NM_001042492.3(NF1):c.1128G>A (p.Met376Ile)

Gene: NF1 (neurofibromin 1; plus strand). Cytogenetic location: 17q11.2.
Variant type: single nucleotide variant.
Coding change: c.1128G>A on transcript NM_001042492.3 (MANE Select); coding-DNA position 1128, G replaced by A.
Protein change: p.Met376Ile; replaces methionine 376 with isoleucine.
Molecular consequence: missense variant.
Genome position (GRCh38, 1-based): chr17:31,201,102, G>A. VCF-style: chr17-31201102-G-A. GRCh37 (hg19) VCF-style: chr17-29528120-G-A.
Other names: c.1128G>A, p.Met376Ile (NM_000267.4, NM_001128147.3); short protein forms M376I.
Identifiers: ClinVar variation 1384062 (VCV001384062.9), dbSNP rs2143879572, ClinGen allele CA398996999.
Genomic context (GRCh38, chr17:31,201,102, plus strand): 5'-GCTTTTTAATCCAAGTAAGCCATTCTCAAGAGGCAGTCAGCCTGCAGATGTGGATCTAAT[G>A]ATTGACTGCCTTGTTTCTTGCTTTCGTATAAGCCCTCACAACAACCAACACTTTAAGGTG-3'
Protein context (NP_001035957.1, residues 366-386): RGSQPADVDL[Met376Ile]IDCLVSCFRI

ClinVar aggregate classification (germline): Uncertain significance. Review status: criteria provided, multiple submitters, no conflicts (2 of 4 stars). 2 submissions from 2 submitters: Uncertain significance (2). Last evaluated 2025-09-02.

Conditions:
Cardiovascular phenotype. Identifiers: MedGen CN230736.
Hereditary cancer-predisposing syndrome. Also called: Tumor predisposition; Hereditary neoplastic syndrome; Neoplastic Syndromes, Hereditary; Hereditary Cancer Syndrome. Identifiers: Orphanet 140162, MedGen C0027672, MeSH D009386, MONDO:0015356.
Neurofibromatosis, type 1 (NF1). Also called: VON RECKLINGHAUSEN DISEASE; Peripheral type neurofibromatosis; Neurofibromatosis, type I; NEUROFIBROMATOSIS, TYPE I, SOMATIC. Identifiers: Orphanet 636, MedGen C0027831, MONDO:0018975, OMIM 162200. Disease mechanism: loss of function.

Submissions (2):

Ambry Genetics
Classification: Uncertain significance for Cardiovascular phenotype; Hereditary cancer-predisposing syndrome. Last evaluated: 2025-09-02. Review status: criteria provided, single submitter. Criteria: Ambry Variant Classification Scheme 2023. Collection method: clinical testing. Allele origin: germline.
Comment: The p.M376I variant (also known as c.1128G>A), located in coding exon 10 of the NF1 gene, results from a G to A substitution at nucleotide position 1128. The methionine at codon 376 is replaced by isoleucine, an amino acid with highly similar properties. This amino acid position is highly conserved in available vertebrate species. In addition, this alteration is predicted to be deleterious by in silico analysis. Since supporting evidence is limited at this time, the clinical significance of this alteration remains unclear.

Labcorp Genetics (formerly Invitae), Labcorp
Classification: Uncertain significance for Neurofibromatosis, type 1. Last evaluated: 2025-08-30. Review status: criteria provided, single submitter. Criteria: Invitae Variant Classification Sherloc (09022015). Collection method: clinical testing. Allele origin: germline.
Comment: This sequence change replaces methionine, which is neutral and non-polar, with isoleucine, which is neutral and non-polar, at codon 376 of the NF1 protein (p.Met376Ile). This variant is not present in population databases (gnomAD no frequency). This variant has not been reported in the literature in individuals affected with NF1-related conditions. ClinVar contains an entry for this variant (Variation ID: 1384062). Invitae Evidence Modeling of protein sequence and biophysical properties (such as structural, functional, and spatial information, amino acid conservation, physicochemical variation, residue mobility, and thermodynamic stability) indicates that this missense variant is expected to disrupt NF1 protein function with a positive predictive value of 80%. In summary, the available evidence is currently insufficient to determine the role of this variant in disease. Therefore, it has been classified as a Variant of Uncertain Significance.